The following is an entry in ClinVar:

NM_001620.3(AHNAK):c.12790T>C (p.Leu4264=)

Gene: AHNAK (AHNAK nucleoprotein; minus strand). Cytogenetic location: 11q12.3.
Variant type: single nucleotide variant.
Coding change: c.12790T>C on transcript NM_001620.3 (MANE Select); coding-DNA position 12790, T replaced by C.
Protein change: p.Leu4264=; no amino-acid change (leucine 4264 retained).
Molecular consequence: synonymous variant. On other transcripts: intron variant (1).
Genome position (GRCh38, 1-based): chr11:62,521,627, A>G on the plus strand (T>C on the coding strand, the complement: AHNAK is on the minus strand). VCF-style: chr11-62521627-A-G. GRCh37 (hg19) VCF-style: chr11-62289099-A-G.
Other names: c.12790T>C, p.Leu4264= (NM_001346445.2, NM_001346446.2); c.342+13376T>C (NM_024060.4).
Identifiers: ClinVar variation 3771418 (VCV003771418.13).

ClinVar aggregate classification (germline): Likely benign (1 of 4 stars; one submission).

gnomAD v4.1: 6 of 1,612,028 alleles (0.00037%); highest among the groups gnomAD compares: Non-Finnish European, 0.00051%; no homozygotes.

Submission:

CeGaT Center for Human Genetics Tuebingen
Classification: Likely benign. Last evaluated: 2025-02-01. Review status: criteria provided, single submitter. Criteria: CeGaT Center For Human Genetics Tuebingen Variant Classification Criteria Version 2. Collection method: clinical testing. Allele origin: germline. Affected: yes. Observed: 1 variant allele.
Comment: AHNAK: BP4, BP7